The following is an entry in ClinVar:

ClinVar aggregate classification (germline): Uncertain significance (1 of 4 stars; one submission).

Submission:

Labcorp Genetics (formerly Invitae), Labcorp
Classification: Uncertain significance. Last evaluated: 2024-09-19. Review status: criteria provided, single submitter. Criteria: Invitae Variant Classification Sherloc (09022015). Collection method: clinical testing. Allele origin: germline.
Comment: This sequence change replaces glycine, which is neutral and non-polar, with arginine, which is basic and polar, at codon 533 of the DNA2 protein (p.Gly533Arg). This variant is not present in population databases (gnomAD no frequency). This variant has not been reported in the literature in individuals affected with DNA2-related conditions. Invitae Evidence Modeling of protein sequence and biophysical properties (such as structural, functional, and spatial information, amino acid conservation, physicochemical variation, residue mobility, and thermodynamic stability) indicates that this missense variant is expected to disrupt DNA2 protein function with a positive predictive value of 80%. In summary, the available evidence is currently insufficient to determine the role of this variant in disease. Therefore, it has been classified as a Variant of Uncertain Significance.

NM_001080449.3(DNA2):c.1597G>C (p.Gly533Arg)

Gene: DNA2 (DNA replication helicase/nuclease 2; minus strand). Cytogenetic location: 10q21.3.
Variant type: single nucleotide variant.
Coding change: c.1597G>C on transcript NM_001080449.3 (MANE Select); coding-DNA position 1597, G replaced by C.
Protein change: p.Gly533Arg; replaces glycine 533 with arginine.
Molecular consequence: missense variant. On other transcripts: non-coding transcript variant (1).
Genome position (GRCh38, 1-based): chr10:68,437,060, C>G on the plus strand (G>C on the coding strand, the complement: DNA2 is on the minus strand). VCF-style: chr10-68437060-C-G. GRCh37 (hg19) VCF-style: chr10-70196817-C-G.
Other names: short protein forms G533R.
Identifiers: ClinVar variation 3704779 (VCV003704779.2).
Genomic context (GRCh38, chr10:68,437,060, plus strand): 5'-CATTTCATTACCTGTCTAATAAACAAGTTACTGTTGTCATGTTAATCTCCTTCACATATC[C>G]TCTAGACAAAGCAAACAGTGACCTTTCTTCTCCACTTACAATAACTCTGTCACCTGCCAT-3'
Protein context (NP_001073918.2, residues 523-543): EERSLFALSR[Gly533Arg]YVKEINMTTV